The following is an entry in ClinVar:

ClinVar aggregate classification (germline): Likely benign (1 of 4 stars; one submission).

Submission:

GeneDx
Classification: Likely benign. Last evaluated: 2018-06-14. Review status: criteria provided, single submitter. Criteria: GeneDx Variant Classification (06012015). Collection method: clinical testing. Allele origin: germline. Affected: yes.
Comment: This variant is considered likely benign or benign based on one or more of the following criteria: it is a conservative change, it occurs at a poorly conserved position in the protein, it is predicted to be benign by multiple in silico algorithms, and/or has population frequency not consistent with disease.

NM_033109.5(PNPT1):c.1284+131del

Gene: PNPT1 (polyribonucleotide nucleotidyltransferase 1; minus strand). Cytogenetic location: 2p16.1.
Variant type: Deletion.
Coding change: c.1284+131del on transcript NM_033109.5 (MANE Select); 131 bases into the intron after coding-DNA position 1284, one base deleted (G; older notation c.1284+131delG).
Molecular consequence: intron variant.
Genome position (GRCh38, 1-based): chr2:55,660,026, C deleted on the plus strand (G on the coding strand, the reverse complement: PNPT1 is on the minus strand); the first of 2 consecutive C bases (chr2:55,660,026-55,660,027); deleting either gives the same sequence. VCF-style (leftmost placement, unchanged base first): chr2-55660025-GC-G. GRCh37 (hg19) VCF-style: chr2-55887160-GC-G.
Identifiers: ClinVar variation 671589 (VCV000671589.1), dbSNP rs145132253, ClinGen allele CA47656640.